The following is an entry in ClinVar:

NM_032444.4(SLX4):c.610C>G (p.Arg204Gly)

Gene: SLX4 (SLX4 structure-specific endonuclease subunit; minus strand). Cytogenetic location: 16p13.3.
Variant type: single nucleotide variant.
Coding change: c.610C>G on transcript NM_032444.4 (MANE Select); coding-DNA position 610, C replaced by G.
Protein change: p.Arg204Gly; replaces arginine 204 with glycine.
Molecular consequence: missense variant.
Genome position (GRCh38, 1-based): chr16:3,606,624, G>C on the plus strand (C>G on the coding strand, the complement: SLX4 is on the minus strand). VCF-style: chr16-3606624-G-C. GRCh37 (hg19) VCF-style: chr16-3656625-G-C.
Other names: c.610C>G (LRG_503t1); short protein forms R204G.
Identifiers: ClinVar variation 574491 (VCV000574491.12), dbSNP rs79842542, ClinGen allele CA7866812.
Genomic context (GRCh38, chr16:3,606,624, plus strand): 5'-AACGCTCGGGGTCTGCTCTCTTGAACTGCTGCATTCGCTGTAGGACCAATTGTGCTGTGC[G>C]GGGTTTGGAGGGACTTGGCACTGCTGTTGTCAAACAGGAAGGAGGAGGCTGGGAGTCGCT-3'
Protein context (NP_115820.2, residues 194-214): TTAVPSPSKP[Arg204Gly]TAQLVLQRMQ

ClinVar aggregate classification (germline): Uncertain significance. Review status: criteria provided, multiple submitters, no conflicts (2 of 4 stars). 6 submissions from 6 submitters: Uncertain significance (6). Last evaluated 2025-12-24.

Conditions:
SLX4-related disorder. Also called: SLX4-related condition.
Fanconi anemia complementation group P. Also called: SLX4-Related Fanconi Anemia. Identifiers: Orphanet 84, MedGen C3469542, MONDO:0013499, OMIM 613951.
Fanconi anemia (FA). Also called: Fanconi's anemia. Identifiers: Orphanet 84, MedGen C0015625, MeSH D005199, MONDO:0019391.

Allele frequency attached by ClinVar (database versions not stated): TOPMed 0.00005.
gnomAD v4.1: 55 of 1,614,038 alleles (0.0034%); highest among the groups gnomAD compares: Admixed American, 0.09%; no homozygotes.

Submissions (6):

Labcorp Genetics (formerly Invitae), Labcorp
Classification: Uncertain significance for Fanconi anemia. Last evaluated: 2025-12-24. Review status: criteria provided, single submitter. Criteria: Invitae Variant Classification Sherloc (09022015). Collection method: clinical testing. Allele origin: germline.
Comment: This sequence change replaces arginine, which is basic and polar, with glycine, which is neutral and non-polar, at codon 204 of the SLX4 protein (p.Arg204Gly). This variant is present in population databases (rs79842542, gnomAD 0.1%). This variant has not been reported in the literature in individuals affected with SLX4-related conditions. ClinVar contains an entry for this variant (Variation ID: 574491). An algorithm developed to predict the effect of missense changes on protein structure and function (PolyPhen-2) suggests that this variant is likely to be disruptive. In summary, the available evidence is currently insufficient to determine the role of this variant in disease. Therefore, it has been classified as a Variant of Uncertain Significance.

PreventionGenetics, part of Exact Sciences
Classification: Uncertain significance for SLX4-related condition. Last evaluated: 2025-02-17. Review status: criteria provided, single submitter. Criteria: ACMG Guidelines, 2015. Collection method: clinical testing. Allele origin: germline.
Comment: The SLX4 c.610C>G variant is predicted to result in the amino acid substitution p.Arg204Gly. To our knowledge, this variant has not been reported in the literature. This variant is reported in 0.10% of alleles in individuals of Latino descent in gnomAD and is interpreted as uncertain in ClinVar. Although we suspect that this variant may be benign, at this time, the clinical significance of this variant is uncertain due to the absence of conclusive functional and genetic evidence.

GeneDx
Classification: Uncertain significance. Last evaluated: 2024-05-21. Review status: criteria provided, single submitter. Criteria: GeneDx Variant Classification Process June 2021. Collection method: clinical testing. Allele origin: germline. Affected: yes.
Comment: In silico analysis supports that this missense variant has a deleterious effect on protein structure/function; Has not been previously published as pathogenic or benign to our knowledge

Fulgent Genetics
Classification: Uncertain significance for Fanconi anemia complementation group P. Last evaluated: 2024-02-26. Review status: criteria provided, single submitter. Criteria: ACMG Guidelines, 2015. Collection method: clinical testing. Allele origin: germline.

Baylor Genetics
Classification: Uncertain significance for Fanconi anemia complementation group P. Last evaluated: 2019-01-29. Review status: criteria provided, single submitter. Criteria: ACMG Guidelines, 2015. Collection method: clinical testing. Allele origin: unknown. Affected: yes. Study: CSER-TexasKidsCanSeq.
Comment: This variant was determined to be of uncertain significance according to ACMG Guidelines, 2015 [PMID:25741868].

Breakthrough Genomics
Classification: Uncertain significance. Review status: criteria provided, single submitter. Criteria: ACMG Guidelines, 2015. Collection method: not provided. Allele origin: germline. Inheritance: Autosomal recessive inheritance. Affected: yes.